The following is an entry in ClinVar:

NM_198253.3(TERT):c.1361A>T (p.Gln454Leu)

Gene: TERT (telomerase reverse transcriptase; minus strand). Cytogenetic location: 5p15.33.
Variant type: single nucleotide variant.
Coding change: c.1361A>T on transcript NM_198253.3 (MANE Select); coding-DNA position 1361, A replaced by T.
Protein change: p.Gln454Leu; replaces glutamine 454 with leucine.
Molecular consequence: missense variant. On other transcripts: non-coding transcript variant (2).
Genome position (GRCh38, 1-based): chr5:1,293,525, T>A on the plus strand (A>T on the coding strand, the complement: TERT is on the minus strand). VCF-style: chr5-1293525-T-A. GRCh37 (hg19) VCF-style: chr5-1293640-T-A.
Other names: c.1361A>T, p.Gln454Leu (NM_001193376.3); short protein forms Q454L.
Identifiers: ClinVar variation 1491535 (VCV001491535.8), dbSNP rs2126684552, ClinGen allele CA359086018.

ClinVar aggregate classification (germline): Uncertain significance (1 of 4 stars; one submission).

Conditions:
Dyskeratosis congenita, autosomal dominant 2. Identifiers: MedGen C3151443, MONDO:0013521, OMIM 613989.
Idiopathic Pulmonary Fibrosis. Also called: Idiopathic fibrosing alveolitis, chronic form; idiopathic fibrosing alveolitis. Identifiers: Orphanet 2032, MedGen C1800706, MeSH D054990, MONDO:0800504.

Submission:

Labcorp Genetics (formerly Invitae), Labcorp
Classification: Uncertain significance for Dyskeratosis congenita, autosomal dominant 2; Idiopathic Pulmonary Fibrosis. Last evaluated: 2021-06-24. Review status: criteria provided, single submitter. Criteria: Invitae Variant Classification Sherloc (09022015). Collection method: clinical testing. Allele origin: germline.
Comment: This variant is not present in population databases (ExAC no frequency). In summary, the available evidence is currently insufficient to determine the role of this variant in disease. Therefore, it has been classified as a Variant of Uncertain Significance. Algorithms developed to predict the effect of missense changes on protein structure and function output the following: SIFT: "Tolerated"; PolyPhen-2: "Benign"; Align-GVGD: "Class C0". The leucine amino acid residue is found in multiple mammalian species, suggesting that this missense change does not adversely affect protein function. These predictions have not been confirmed by published functional studies and their clinical significance is uncertain. This variant has not been reported in the literature in individuals with TERT-related conditions. This sequence change replaces glutamine with leucine at codon 454 of the TERT protein (p.Gln454Leu). The glutamine residue is moderately conserved and there is a moderate physicochemical difference between glutamine and leucine.